The following is an entry in ClinVar:

NM_001134363.3(RBM20):c.1588T>C (p.Cys530Arg)

Gene: RBM20 (RNA binding motif protein 20; plus strand). Cytogenetic location: 10q25.2.
Variant type: single nucleotide variant.
Coding change: c.1588T>C on transcript NM_001134363.3 (MANE Select); coding-DNA position 1588, T replaced by C.
Protein change: p.Cys530Arg; replaces cysteine 530 with arginine.
Molecular consequence: missense variant.
Genome position (GRCh38, 1-based): chr10:110,797,568, T>C. VCF-style: chr10-110797568-T-C. GRCh37 (hg19) VCF-style: chr10-112557326-T-C.
Other names: short protein forms C530R.
Identifiers: ClinVar variation 4614834 (VCV004614834.2).
Genomic context (GRCh38, chr10:110,797,568, plus strand): 5'-TTTGCACAGCGGAAAGGGGCTGGCCGTGTGGTGCACATCTGCAATCTCCCTGAAGGAAGC[T>C]GCACTGAGAATGACGTCATTAACCTGGGGCTGCCCTTTGGAAAGGTCACTAATTACATCC-3'
Protein context (NP_001127835.2, residues 520-540): VHICNLPEGS[Cys530Arg]TENDVINLGL

ClinVar aggregate classification (germline): Uncertain significance. Review status: criteria provided, multiple submitters, no conflicts (2 of 4 stars). 2 submissions from 2 submitters: Uncertain significance (2). Last evaluated 2026-04-26.

Conditions:
Cardiovascular phenotype. Identifiers: MedGen CN230736.

gnomAD v4.1: 1 of 1,551,560 alleles (0.000064%); highest among the groups gnomAD compares: Non-Finnish European, 0.000087%; no homozygotes.

Submissions (2):

GeneDx
Classification: Uncertain significance. Last evaluated: 2026-04-26. Review status: criteria provided, single submitter. Criteria: GeneDx Variant Classification Process June 2021. Collection method: clinical testing. Allele origin: germline.
Comment: Not observed at significant frequency in large population cohorts (gnomAD); In silico analysis supports that this missense variant has a deleterious effect on protein structure/function; Has not been previously published as pathogenic or benign to our knowledge

Ambry Genetics
Classification: Uncertain significance for Cardiovascular phenotype. Last evaluated: 2025-10-21. Review status: criteria provided, single submitter. Criteria: Ambry Variant Classification Scheme 2023. Collection method: clinical testing. Allele origin: germline.